The following is an entry in ClinVar:

NM_000152.5(GAA):c.1837T>C (p.Trp613Arg)

Gene: GAA (alpha glucosidase; plus strand). Cytogenetic location: 17q25.3.
Variant type: single nucleotide variant.
Coding change: c.1837T>C on transcript NM_000152.5 (MANE Select); coding-DNA position 1837, T replaced by C.
Protein change: p.Trp613Arg; replaces tryptophan 613 with arginine.
Molecular consequence: missense variant.
Genome position (GRCh38, 1-based): chr17:80,112,660, T>C. VCF-style: chr17-80112660-T-C. GRCh37 (hg19) VCF-style: chr17-78086459-T-C.
Other names: c.1837T>C, p.Trp613Arg (NM_001079803.3, NM_001079804.3, NM_001406741.1 and 1 more transcripts); short protein forms W613R.
Identifiers: ClinVar variation 2821438 (VCV002821438.3), dbSNP rs1598584806, ClinGen allele CA401369573.

ClinVar aggregate classification (germline): Uncertain significance (1 of 4 stars; one submission).

Conditions:
Glycogen storage disease, type II (IOPD). Also called: GLYCOGENOSIS, GENERALIZED, CARDIAC FORM; POMPE DISEASE, INFANTILE-ONSET; GLYCOGEN STORAGE DISEASE II, INFANTILE-ONSET; ACID ALPHA-GLUCOSIDASE DEFICIENCY, INFANTILE-ONSET; GAA DEFICIENCY, INFANTILE-ONSET; ACID MALTASE DEFICIENCY, INFANTILE-ONSET. Identifiers: Orphanet 365, MedGen C0017921, MONDO:0009290, OMIM 232300.

Submission:

Labcorp Genetics (formerly Invitae), Labcorp
Classification: Uncertain significance for Glycogen storage disease, type II. Last evaluated: 2022-12-16. Review status: criteria provided, single submitter. Criteria: Invitae Variant Classification Sherloc (09022015). Collection method: clinical testing. Allele origin: germline.
Comment: This sequence change replaces tryptophan, which is neutral and slightly polar, with arginine, which is basic and polar, at codon 613 of the GAA protein (p.Trp613Arg). This variant is not present in population databases (gnomAD no frequency). This variant has not been reported in the literature in individuals affected with GAA-related conditions. Advanced modeling of protein sequence and biophysical properties (such as structural, functional, and spatial information, amino acid conservation, physicochemical variation, residue mobility, and thermodynamic stability) performed at Invitae indicates that this missense variant is expected to disrupt GAA protein function. This variant disrupts the p.Trp613 amino acid residue in GAA. Other variant(s) that disrupt this residue have been observed in individuals with GAA-related conditions (PMID: 27649523, 32248831), which suggests that this may be a clinically significant amino acid residue. In summary, the available evidence is currently insufficient to determine the role of this variant in disease. Therefore, it has been classified as a Variant of Uncertain Significance.

Literature cited by the submitters: PubMed 27649523; PubMed 32248831.